The following is an entry in ClinVar:

NM_000135.4(FANCA):c.3192C>G (p.Ser1064Arg)

Gene: FANCA (FA complementation group A; minus strand). Cytogenetic location: 16q24.3.
Variant type: single nucleotide variant.
Coding change: c.3192C>G on transcript NM_000135.4 (MANE Select); coding-DNA position 3192, C replaced by G.
Protein change: p.Ser1064Arg; replaces serine 1064 with arginine.
Molecular consequence: missense variant.
Genome position (GRCh38, 1-based): chr16:89,749,777, G>C on the plus strand (C>G on the coding strand, the complement: FANCA is on the minus strand). VCF-style: chr16-89749777-G-C. GRCh37 (hg19) VCF-style: chr16-89816185-G-C.
Other names: c.3192C>G, p.Ser1064Arg (NM_001286167.3); short protein forms S1064R.
Identifiers: ClinVar variation 4870887 (VCV004870887.1).
Genomic context (GRCh38, chr16:89,749,777, plus strand): 5'-TAGTAGGTGTTACCGTTTGTACATTAGCAGCTCCCTCTGTCTCTGAAGGCTGGCAGCCAC[G>C]CTCCACCCGCTTGTCAGAGCCTGGAGCCGTCTGCGGAAAATCTCAAAGAGGAAGTGCTCC-3'
Protein context (NP_000126.2, residues 1054-1074): RRLQALTSGW[Ser1064Arg]VAASLQRQRE

ClinVar aggregate classification (germline): Uncertain significance (1 of 4 stars; one submission).

Conditions:
Inborn genetic diseases. Identifiers: MedGen C0950123, MeSH D030342.

Submission:

Ambry Genetics
Classification: Uncertain significance for Inborn genetic diseases. Last evaluated: 2026-05-23. Review status: criteria provided, single submitter. Criteria: Ambry Variant Classification Scheme 2023. Collection method: clinical testing. Allele origin: germline.
Comment: The p.S1064R variant (also known as c.3192C>G), located in coding exon 32 of the FANCA gene, results from a C to G substitution at nucleotide position 3192. The serine at codon 1064 is replaced by arginine, an amino acid with dissimilar properties. This amino acid position is conserved. In addition, this alteration is predicted to be tolerated by in silico analysis. Based on the available evidence, the clinical significance of this variant remains unclear.